The following is an entry in ClinVar:

NM_024408.4(NOTCH2):c.2518A>G (p.Asn840Asp)

Gene: NOTCH2 (notch receptor 2; minus strand). Cytogenetic location: 1p12.
Variant type: single nucleotide variant.
Coding change: c.2518A>G on transcript NM_024408.4 (MANE Select); coding-DNA position 2518, A replaced by G.
Protein change: p.Asn840Asp; replaces asparagine 840 with aspartic acid.
Molecular consequence: missense variant.
Genome position (GRCh38, 1-based): chr1:119,949,088, T>C on the plus strand (A>G on the coding strand, the complement: NOTCH2 is on the minus strand). VCF-style: chr1-119949088-T-C. GRCh37 (hg19) VCF-style: chr1-120491711-T-C.
Other names: c.2518A>G, p.Asn840Asp (NM_001200001.2); c.2518A>G (NM_024408.3); short protein forms N840D.
Identifiers: ClinVar variation 1416263 (VCV001416263.7), dbSNP rs1553197408, ClinGen allele CA341859519.

ClinVar aggregate classification (germline): Uncertain significance. Review status: criteria provided, multiple submitters, no conflicts (2 of 4 stars). 2 submissions from 2 submitters: Uncertain significance (2). Last evaluated 2026-01-02.

Conditions:
Hajdu-Cheney syndrome (HJCYS). Also called: ACROOSTEOLYSIS WITH OSTEOPOROSIS AND CHANGES IN SKULL AND MANDIBLE; SERPENTINE FIBULA-POLYCYSTIC KIDNEY SYNDROME; Acroosteolysis dominant type. Identifiers: Orphanet 955, MedGen C0917715, MONDO:0007057, OMIM 102500.
NOTCH2-related disorder. Also called: NOTCH2-related condition.

Allele frequency attached by ClinVar (database versions not stated): gnomAD exomes below 0.00001 and 0.00001; TOPMed 0.00001.
gnomAD v4.1: 13 of 1,614,170 alleles (0.00081%); highest among the groups gnomAD compares: Admixed American, 0.0017%; no homozygotes.

Submissions (2):

Labcorp Genetics (formerly Invitae), Labcorp
Classification: Uncertain significance for Hajdu-Cheney syndrome. Last evaluated: 2026-01-02. Review status: criteria provided, single submitter. Criteria: Invitae Variant Classification Sherloc (09022015). Collection method: clinical testing. Allele origin: germline.
Comment: This sequence change replaces asparagine, which is neutral and polar, with aspartic acid, which is acidic and polar, at codon 840 of the NOTCH2 protein (p.Asn840Asp). This variant is present in population databases (no rsID available, gnomAD 0.003%). This variant has not been reported in the literature in individuals affected with NOTCH2-related conditions. ClinVar contains an entry for this variant (Variation ID: 1416263). Invitae Evidence Modeling of protein sequence and biophysical properties (such as structural, functional, and spatial information, amino acid conservation, physicochemical variation, residue mobility, and thermodynamic stability) indicates that this missense variant is not expected to disrupt NOTCH2 protein function with a negative predictive value of 80%. In summary, the available evidence is currently insufficient to determine the role of this variant in disease. Therefore, it has been classified as a Variant of Uncertain Significance.

PreventionGenetics, part of Exact Sciences
Classification: Uncertain significance for NOTCH2-related condition. Last evaluated: 2024-12-11. Review status: criteria provided, single submitter. Criteria: ACMG Guidelines, 2015. Collection method: clinical testing. Allele origin: germline.
Comment: The NOTCH2 c.2518A>G variant is predicted to result in the amino acid substitution p.Asn840Asp. To our knowledge, this variant has not been reported in the literature. This variant is reported in 0.0029% of alleles in individuals of Latino descent in gnomAD. At this time, the clinical significance of this variant is uncertain due to the absence of conclusive functional and genetic evidence.